The following is an entry in ClinVar:

ClinVar aggregate classification (germline): Uncertain significance. Review status: criteria provided, multiple submitters, no conflicts (2 of 4 stars). 2 submissions from 2 submitters: Uncertain significance (2). Last evaluated 2023-12-18.

Conditions:
Colorectal cancer, hereditary nonpolyposis, type 7. Identifiers: Orphanet 144, MedGen C1858380, MONDO:0013725, OMIM 614385.

Allele frequency attached by ClinVar (database versions not stated): TOPMed 0.00001; gnomAD exomes 0.00001.

Submissions (2):

Ambry Genetics
Classification: Uncertain significance. Last evaluated: 2023-12-18. Review status: criteria provided, single submitter. Criteria: Ambry Variant Classification Scheme 2023. Collection method: clinical testing. Allele origin: germline.
Comment: The c.4091-2A>C intronic variant results from an A to C substitution two nucleotides upstream from coding exon 11 in the MLH3 gene. This nucleotide position is highly conserved in available vertebrate species. In silico splice site analysis predicts that this alteration will weaken the native splice acceptor site. The evidence for this gene-disease relationship is limited; therefore, the clinical significance of this alteration is unclear.

Labcorp Genetics (formerly Invitae), Labcorp
Classification: Uncertain significance for Colorectal cancer, hereditary nonpolyposis, type 7. Last evaluated: 2017-12-19. Review status: criteria provided, single submitter. Criteria: Invitae Variant Classification Sherloc (09022015). Collection method: clinical testing. Allele origin: germline.
Comment: The current clinical and genetic evidence is not sufficient to establish whether loss-of-function variants in MLH3 cause disease. This variant has not been reported in the literature in individuals with MLH3-related disease. This sequence change affects an acceptor splice site in intron 11 of the MLH3 gene. It is expected to disrupt RNA splicing and likely results in an absent or disrupted protein product. This variant is not present in population databases (ExAC no frequency). In summary, the available evidence is currently insufficient to determine the role of this variant in disease. Therefore, it has been classified as a Variant of Uncertain Significance.

NM_001040108.2(MLH3):c.4091-2A>C

Gene: MLH3 (mutL homolog 3; minus strand). Cytogenetic location: 14q24.3.
Variant type: single nucleotide variant.
Coding change: c.4091-2A>C on transcript NM_001040108.2 (MANE Select); the canonical splice acceptor site of the intron before coding-DNA position 4091, A replaced by C.
Molecular consequence: splice acceptor variant.
Genome position (GRCh38, 1-based): chr14:75,018,982, T>G on the plus strand (A>C on the coding strand, the complement: MLH3 is on the minus strand). VCF-style: chr14-75018982-T-G. GRCh37 (hg19) VCF-style: chr14-75485685-T-G.
Other names: c.4019-2A>C (NM_014381.3).
Identifiers: ClinVar variation 544267 (VCV000544267.12), dbSNP rs906969002, ClinGen allele CA263630997.
Genomic context (GRCh38, chr14:75,018,982, plus strand): 5'-AGCTTCAATAAGGCGGCAACTTTCCTGTAAGCTCAGGCCATCATTAAACTTAATGGCCCC[T>G]AAATGAAAGACAGAAACAAGAAGGTTATAGTGTATATAGTGGGAAACCAATGCTGACCTT-3'